The following is an entry in ClinVar:

NM_003922.4(HERC1):c.12232+7T>C

Gene: HERC1 (HECT and RLD domain containing E3 ubiquitin protein ligase family member 1; minus strand). Cytogenetic location: 15q22.31.
Variant type: single nucleotide variant.
Coding change: c.12232+7T>C on transcript NM_003922.4 (MANE Select); 7 bases into the intron after coding-DNA position 12232, T replaced by C.
Molecular consequence: intron variant.
Genome position (GRCh38, 1-based): chr15:63,637,498, A>G on the plus strand (T>C on the coding strand, the complement: HERC1 is on the minus strand). VCF-style: chr15-63637498-A-G. GRCh37 (hg19) VCF-style: chr15-63929697-A-G.
Identifiers: ClinVar variation 3030589 (VCV003030589.2), dbSNP rs1282662362, ClinGen allele CA714794920.
Genomic context (GRCh38, chr15:63,637,498, plus strand): 5'-GGTTTGTACGACCAAACCTACATTAGGCCTTAGGTTCTAACCATCTTTTTATTAAGGACA[A>G]TTTTACCTTGTAAGGCTGAAATAACTGTCAGCACATGAAGGTCATCTGAATTTCCTTGTC-3'

ClinVar aggregate classification (germline): Likely benign (0 of 4 stars; one submission).

Conditions:
HERC1-related disorder. Also called: HERC1-related condition.

Allele frequency attached by ClinVar (database versions not stated): TOPMed below 0.00001; gnomAD 0.00001.
gnomAD v4.1: 1 of 1,565,168 alleles (0.000064%); highest among the groups gnomAD compares: Non-Finnish European, 0.000087%; no homozygotes.

Submission:

PreventionGenetics, part of Exact Sciences
Classification: Likely benign for HERC1-related condition. Last evaluated: 2020-11-11. Review status: no assertion criteria provided. Collection method: clinical testing. Allele origin: germline.
Comment: This variant is classified as likely benign based on ACMG/AMP sequence variant interpretation guidelines (Richards et al. 2015 PMID: 25741868, with internal and published modifications).